The following is an entry in ClinVar:

ClinVar aggregate classification (germline): Uncertain significance (1 of 4 stars; one submission).

gnomAD v4.1: 1 of 1,612,046 alleles (0.000062%); highest among the groups gnomAD compares: Non-Finnish European, 0.000085%; no homozygotes.

Submission:

GeneDx
Classification: Uncertain significance. Last evaluated: 2024-09-17. Review status: criteria provided, single submitter. Criteria: GeneDx Variant Classification Process June 2021. Collection method: clinical testing. Allele origin: germline. Affected: yes.
Comment: Not observed at significant frequency in large population cohorts (gnomAD); In silico analysis indicates that this missense variant does not alter protein structure/function; Has not been previously published as pathogenic or benign to our knowledge

NM_003978.5(PSTPIP1):c.1123C>A (p.Pro375Thr)

Gene: PSTPIP1 (proline-serine-threonine phosphatase interacting protein 1; plus strand). Cytogenetic location: 15q24.3.
Variant type: single nucleotide variant.
Coding change: c.1123C>A on transcript NM_003978.5 (MANE Select); coding-DNA position 1123, C replaced by A.
Protein change: p.Pro375Thr; replaces proline 375 with threonine.
Molecular consequence: missense variant. On other transcripts: non-coding transcript variant (1).
Genome position (GRCh38, 1-based): chr15:77,037,048, C>A. VCF-style: chr15-77037048-C-A. GRCh37 (hg19) VCF-style: chr15-77329389-C-A.
Other names: c.1066C>A, p.Pro356Thr (NM_001321135.2); c.1096C>A, p.Pro366Thr (NM_001321136.2); c.1318C>A, p.Pro440Thr (NM_001321137.1); c.1114C>A, p.Pro372Thr (NM_001411086.1); short protein forms P356T, P366T, P372T, P375T, P440T.
Identifiers: ClinVar variation 3769755 (VCV003769755.1).